The following is an entry in ClinVar:

ClinVar aggregate classification (germline): Uncertain significance (1 of 4 stars; one submission).

gnomAD v4.1: 1 of 1,613,830 alleles (0.000062%); highest among the groups gnomAD compares: Non-Finnish European, 0.000085%; no homozygotes.

Submission:

Women's Health and Genetics/Laboratory Corporation of America, LabCorp
Classification: Uncertain significance. Last evaluated: 2024-10-04. Review status: criteria provided, single submitter. Criteria: LabCorp Variant Classification Summary - May 2015. Collection method: clinical testing. Allele origin: germline.
Comment: Variant summary: MYH9 c.3100+5G>A alters a conserved nucleotide located close to a canonical splice site and therefore could affect mRNA splicing, leading to a significantly altered protein sequence. Several computational tools predict a significant impact on normal splicing: One predict the variant abolishes a 5' splicing donor site. Three predict the variant weakens a 5' donor site. However, these predictions have yet to be confirmed by functional studies. The variant was absent in 251344 control chromosomes (gnomAD). The available data on variant occurrences in the general population are insufficient to allow any conclusion about variant significance. To our knowledge, no occurrence of c.3100+5G>A in individuals affected with Macrothrombocytopenia And Granulocyte Inclusions With Or Without Nephritis Or Sensorineural Hearing Loss and no experimental evidence demonstrating its impact on protein function have been reported. No submitters have cited clinical-significance assessments for this variant to ClinVar. Based on the evidence outlined above, the variant was classified as uncertain significance.

NM_002473.6(MYH9):c.3100+5G>A

Gene: MYH9 (myosin heavy chain 9; minus strand). Cytogenetic location: 22q12.3.
Variant type: single nucleotide variant.
Coding change: c.3100+5G>A on transcript NM_002473.6 (MANE Select); 5 bases into the intron after coding-DNA position 3100, G replaced by A.
Molecular consequence: intron variant.
Genome position (GRCh38, 1-based): chr22:36,298,914, C>T on the plus strand (G>A on the coding strand, the complement: MYH9 is on the minus strand). VCF-style: chr22-36298914-C-T. GRCh37 (hg19) VCF-style: chr22-36694960-C-T.
Identifiers: ClinVar variation 3384953 (VCV003384953.1).